The following is an entry in ClinVar:

ClinVar aggregate classification (germline): Uncertain significance. Review status: criteria provided, multiple submitters, no conflicts (2 of 4 stars). 2 submissions from 2 submitters: Uncertain significance (2). Last evaluated 2023-10-22.

Conditions:
Congenital myasthenic syndrome 8. Also called: MYASTHENIC SYNDROME, CONGENITAL, DUE TO AGRIN DEFICIENCY; Myasthenic syndrome, congenital, 8, with pre- and postsynaptic defects. Identifiers: Orphanet 590, MedGen C3808739, MONDO:0014052, OMIM 615120.

Allele frequency attached by ClinVar (database versions not stated): gnomAD exomes 0.00002 and 0.00003; ExAC 0.00003; TOPMed 0.00003.
gnomAD v4.1: 25 of 1,612,820 alleles (0.0016%); highest among the groups gnomAD compares: East Asian, 0.0022%; no homozygotes.

Submissions (2):

Labcorp Genetics (formerly Invitae), Labcorp
Classification: Uncertain significance for Congenital myasthenic syndrome 8. Last evaluated: 2023-10-22. Review status: criteria provided, single submitter. Criteria: Invitae Variant Classification Sherloc (09022015). Collection method: clinical testing. Allele origin: germline.
Comment: This sequence change replaces arginine, which is basic and polar, with tryptophan, which is neutral and slightly polar, at codon 841 of the AGRN protein (p.Arg841Trp). This variant is present in population databases (rs745850324, gnomAD 0.005%). This missense change has been observed in individual(s) with autosomal recessive congenital myasthenic syndrome (PMID: 33756069). ClinVar contains an entry for this variant (Variation ID: 1014086). An algorithm developed to predict the effect of missense changes on protein structure and function (PolyPhen-2) suggests that this variant is likely to be disruptive. In summary, the available evidence is currently insufficient to determine the role of this variant in disease. Therefore, it has been classified as a Variant of Uncertain Significance.

Mayo Clinic Laboratories, Mayo Clinic
Classification: Uncertain significance. Last evaluated: 2023-08-11. Review status: criteria provided, single submitter. Criteria: ACMG Guidelines, 2015. Collection method: clinical testing. Allele origin: germline. Observed: 1 variant allele.
Comment: PM2_moderate

Literature cited by the submitters: PubMed 33756069 (cited by Labcorp Genetics (formerly Invitae), Labcorp and Mayo Clinic Laboratories, Mayo Clinic).

NM_198576.4(AGRN):c.2521C>T (p.Arg841Trp)

Gene: AGRN (agrin; plus strand). Cytogenetic location: 1p36.33.
Variant type: single nucleotide variant.
Coding change: c.2521C>T on transcript NM_198576.4 (MANE Select); coding-DNA position 2521, C replaced by T.
Protein change: p.Arg841Trp; replaces arginine 841 with tryptophan.
Molecular consequence: missense variant.
Genome position (GRCh38, 1-based): chr1:1,045,508, C>T. VCF-style: chr1-1045508-C-T. GRCh37 (hg19) VCF-style: chr1-980888-C-T.
Other names: p.Arg841Trp; c.2521C>T, p.Arg841Trp (NM_001305275.2); c.2206C>T, p.Arg736Trp (NM_001364727.2); short protein forms R736W, R841W.
Identifiers: ClinVar variation 1014086 (VCV001014086.7), dbSNP rs745850324, ClinGen allele CA508656.